The following is an entry in ClinVar:

ClinVar aggregate classification (germline): Uncertain significance (1 of 4 stars; one submission).

Conditions:
Rafiq syndrome (RAFQS). Identifiers: Orphanet 88616, MedGen C3280127, MONDO:0013624, OMIM 614202.

Submission:

Labcorp Genetics (formerly Invitae), Labcorp
Classification: Uncertain significance for Rafiq syndrome. Last evaluated: 2024-10-16. Review status: criteria provided, single submitter. Criteria: Invitae Variant Classification Sherloc (09022015). Collection method: clinical testing. Allele origin: germline.
Comment: This sequence change replaces aspartic acid, which is acidic and polar, with glycine, which is neutral and non-polar, at codon 486 of the MAN1B1 protein (p.Asp486Gly). This variant is not present in population databases (gnomAD no frequency). This variant has not been reported in the literature in individuals affected with MAN1B1-related conditions. ClinVar contains an entry for this variant (Variation ID: 2122876). An algorithm developed to predict the effect of missense changes on protein structure and function (PolyPhen-2) suggests that this variant is likely to be disruptive. In summary, the available evidence is currently insufficient to determine the role of this variant in disease. Therefore, it has been classified as a Variant of Uncertain Significance.

NM_016219.5(MAN1B1):c.1457A>G (p.Asp486Gly)

Gene: MAN1B1 (mannosidase alpha class 1B member 1; plus strand). Cytogenetic location: 9q34.3.
Variant type: single nucleotide variant.
Coding change: c.1457A>G on transcript NM_016219.5 (MANE Select); coding-DNA position 1457, A replaced by G.
Protein change: p.Asp486Gly; replaces aspartic acid 486 with glycine.
Molecular consequence: missense variant. On other transcripts: non-coding transcript variant (2).
Genome position (GRCh38, 1-based): chr9:137,106,700, A>G. VCF-style: chr9-137106700-A-G. GRCh37 (hg19) VCF-style: chr9-140001152-A-G.
Other names: c.1349A>G, p.Asp450Gly (NM_007230.1); short protein forms D450G, D486G.
Identifiers: ClinVar variation 2122876 (VCV002122876.4), dbSNP rs2538447953, ClinGen allele CA375656248.